The following is an entry in ClinVar:

NM_000059.4(BRCA2):c.15del (p.Glu7fs)

Gene: BRCA2 (BRCA2 DNA repair associated; plus strand). Cytogenetic location: 13q13.1.
Variant type: Deletion.
Coding change: c.15del on transcript NM_000059.4 (MANE Select); coding-DNA position 15, one base deleted (C; older notation c.15delC).
Protein change: p.Glu7fs; shifts the reading frame from glutamic acid 7.
Molecular consequence: frameshift variant.
Genome position (GRCh38, 1-based): chr13:32,316,475, C deleted; the last of 2 consecutive C bases (chr13:32,316,474-32,316,475); deleting either gives the same sequence. VCF-style (leftmost placement, unchanged base first): chr13-32316473-TC-T. GRCh37 (hg19) VCF-style: chr13-32890610-TC-T.
Other names: c.15delC (NM_000059.3); short protein forms E7fs.
Identifiers: ClinVar variation 421342 (VCV000421342.7), dbSNP rs1064795072, ClinGen allele CA16619631.

ClinVar aggregate classification (germline): Pathogenic. Review status: reviewed by expert panel (3 of 4 stars). 4 submissions from 4 submitters: Pathogenic (1). 3 of the submissions do not count toward it. Last evaluated 2017-12-15.

Conditions:
Breast-ovarian cancer, familial, susceptibility to, 2 (BROVCA2). Also called: BRCA2 Hereditary Breast and Ovarian Cancer. Identifiers: Orphanet 145, MedGen C2675520, MONDO:0012933, OMIM 612555. Disease mechanism: loss of function.
Hereditary cancer-predisposing syndrome. Also called: Neoplastic Syndromes, Hereditary; Hereditary Cancer Syndrome; Hereditary neoplastic syndrome; Tumor predisposition. Identifiers: Orphanet 140162, MedGen C0027672, MeSH D009386, MONDO:0015356.
Fanconi anemia complementation group D1. Also called: BRCA2-Related Fanconi Anemia. Identifiers: Orphanet 319462, MedGen C1838457, MONDO:0011584, OMIM 605724.
Wilms tumor 1 (WT1). Also called: Wilms tumor, somatic. Identifiers: Orphanet 654, MedGen CN033288, MONDO:0008679, OMIM 194070.
Familial cancer of breast. Also called: BREAST CANCER, FAMILIAL; Hereditary breast cancer; hereditary breast carcinoma. Identifiers: Orphanet 227535, MedGen C0346153, MONDO:0016419, OMIM 114480. Disease mechanism: loss of function.
Medulloblastoma (MDB). Also called: Medulloblastoma, somatic; MEDULLOBLASTOMA PREDISPOSITION SYNDROME. Identifiers: Orphanet 616, MedGen C0025149, MeSH D008527, MONDO:0007959, OMIM 155255, HP:0002885.
Prostate cancer. Also called: Malignant tumor of prostate. Identifiers: Orphanet 1331, MedGen C0376358, MONDO:0008315, HP:0012125.
Pancreatic cancer, susceptibility to, 2. Identifiers: Orphanet 1333, MedGen C3150546, MONDO:0013235, OMIM 613347.
Glioma susceptibility 3 (GLM3). Also called: Glioblastoma 3. Identifiers: Orphanet 182067, Orphanet 360, MedGen C2751641, MONDO:0013093, OMIM 613029.

Submissions (4):

Evidence-based Network for the Interpretation of Germline Mutant Alleles (ENIGMA)
Classification: Pathogenic for Breast-ovarian cancer, familial, susceptibility to, 2. Last evaluated: 2017-12-15. Review status: reviewed by expert panel. Criteria: ENIGMA BRCA1/2 Classification Criteria (2017-06-29). Collection method: curation. Allele origin: germline. Study: ENIGMA.
Comment: Variant allele predicted to encode a truncated non-functional protein.

Fulgent Genetics
Classification: Likely pathogenic for Familial cancer of breast; Medulloblastoma; Familial prostate cancer; Wilms tumor 1; Fanconi anemia complementation group D1; Breast-ovarian cancer, familial, susceptibility to, 2; Glioma susceptibility 3; Pancreatic cancer, susceptibility to, 2. Last evaluated: 2022-01-03. Review status: criteria provided, single submitter. Criteria: ACMG Guidelines, 2015. Collection method: clinical testing. Allele origin: unknown. Not counted in ClinVar's aggregate classification.

Ambry Genetics
Classification: Pathogenic for Hereditary cancer-predisposing syndrome. Last evaluated: 2018-06-26. Review status: criteria provided, single submitter. Criteria: Ambry Variant Classification Scheme 2023. Collection method: clinical testing. Allele origin: germline. Not counted in ClinVar's aggregate classification.
Comment: The c.15delC pathogenic mutation, located in coding exon 1 of the BRCA2 gene, results from a deletion of one nucleotide at nucleotide position 15, causing a translational frameshift with a predicted alternate stop codon (p.E7Rfs*18). This alteration is expected to result in loss of function by premature protein truncation or nonsense-mediated mRNA decay. As such, this alteration is interpreted as a disease-causing mutation.

GeneDx
Classification: Pathogenic. Last evaluated: 2016-05-31. Review status: criteria provided, single submitter. Criteria: GeneDx Variant Classification (06012015). Collection method: clinical testing. Allele origin: germline. Affected: yes. Not counted in ClinVar's aggregate classification.
Comment: This deletion of one nucleotide in BRCA2 is denoted c.15delC at the cDNA level and p.Glu7ArgfsX18 (E7RfsX18) at the protein level. The normal sequence, with the base that is deleted in braces, is GATC[C]AAAG. The deletion causes a frameshift which changes a Glutamic Acid to an Arginine at codon 7, and creates a premature stop codon at position 18 of the new reading frame. Using alternate nomenclature, this variant would be defined as BRCA2 243delC. Although this variant has not, to our knowledge, been reported in the literature, it is predicted to cause loss of normal protein function through either protein truncation or nonsense-mediated mRNA decay. We consider this variant to be pathogenic.